The following is an entry in ClinVar:

ClinVar aggregate classification (germline): Uncertain significance (1 of 4 stars; one submission).

Conditions:
Catecholaminergic polymorphic ventricular tachycardia 1. Also called: VENTRICULAR TACHYCARDIA, CATECHOLAMINERGIC POLYMORPHIC, 1, WITH OR WITHOUT ATRIAL DYSFUNCTION AND/OR DILATED CARDIOMYOPATHY; VENTRICULAR TACHYCARDIA, STRESS-INDUCED POLYMORPHIC 1; RYR2-Related Catecholaminergic Polymorphic Ventricular Tachycardia. Identifiers: Orphanet 3286, MedGen C1631597, MONDO:0011484, OMIM 604772.

Allele frequency attached by ClinVar (database versions not stated): gnomAD exomes below 0.00001.
gnomAD v4.1: 1 of 1,613,768 alleles (0.000062%); highest among the groups gnomAD compares: Non-Finnish European, 0.000085%; no homozygotes.

Submission:

Labcorp Genetics (formerly Invitae), Labcorp
Classification: Uncertain significance for Catecholaminergic polymorphic ventricular tachycardia 1. Last evaluated: 2023-02-25. Review status: criteria provided, single submitter. Criteria: Invitae Variant Classification Sherloc (09022015). Collection method: clinical testing. Allele origin: germline.
Comment: In summary, the available evidence is currently insufficient to determine the role of this variant in disease. Therefore, it has been classified as a Variant of Uncertain Significance. Advanced modeling of protein sequence and biophysical properties (such as structural, functional, and spatial information, amino acid conservation, physicochemical variation, residue mobility, and thermodynamic stability) has been performed at Invitae for this missense variant, however the output from this modeling did not meet the statistical confidence thresholds required to predict the impact of this variant on RYR2 protein function. This variant has not been reported in the literature in individuals affected with RYR2-related conditions. This variant is not present in population databases (gnomAD no frequency). This sequence change replaces valine, which is neutral and non-polar, with glycine, which is neutral and non-polar, at codon 346 of the RYR2 protein (p.Val346Gly).

NM_001035.3(RYR2):c.1037T>G (p.Val346Gly)

Gene: RYR2 (ryanodine receptor 2; plus strand). Cytogenetic location: 1q43.
Variant type: single nucleotide variant.
Coding change: c.1037T>G on transcript NM_001035.3 (MANE Select); coding-DNA position 1037, T replaced by G.
Protein change: p.Val346Gly; replaces valine 346 with glycine.
Molecular consequence: missense variant.
Genome position (GRCh38, 1-based): chr1:237,441,350, T>G. VCF-style: chr1-237441350-T-G. GRCh37 (hg19) VCF-style: chr1-237604650-T-G.
Other names: short protein forms V346G.
Identifiers: ClinVar variation 2840657 (VCV002840657.3), dbSNP rs2528320807, ClinGen allele CA345376029.